The following is an entry in ClinVar:

NM_001114753.3(ENG):c.1908G>C (p.Glu636Asp)

Gene: ENG (endoglin; minus strand). Cytogenetic location: 9q34.11.
Variant type: single nucleotide variant.
Coding change: c.1908G>C on transcript NM_001114753.3 (MANE Select); coding-DNA position 1908, G replaced by C.
Protein change: p.Glu636Asp; replaces glutamic acid 636 with aspartic acid.
Molecular consequence: missense variant. On other transcripts: 3 prime UTR variant (1).
Genome position (GRCh38, 1-based): chr9:127,815,751, C>G on the plus strand (G>C on the coding strand, the complement: ENG is on the minus strand). VCF-style: chr9-127815751-C-G. GRCh37 (hg19) VCF-style: chr9-130578030-C-G.
Other names: c.*166G>C (NM_000118.4); c.1362G>C, p.Glu454Asp (NM_001278138.2); short protein forms E454D, E636D.
Identifiers: ClinVar variation 4870421 (VCV004870421.1).

ClinVar aggregate classification (germline): Uncertain significance (1 of 4 stars; one submission).

Conditions:
Cardiovascular phenotype. Identifiers: MedGen CN230736.

Submission:

Ambry Genetics
Classification: Uncertain significance for Cardiovascular phenotype. Last evaluated: 2026-05-21. Review status: criteria provided, single submitter. Criteria: Ambry Variant Classification Scheme 2023. Collection method: clinical testing. Allele origin: germline.
Comment: The p.E636D variant (also known as c.1908G>C), located in coding exon 15 of the ENG gene, results from a G to C substitution at nucleotide position 1908. The glutamic acid at codon 636 is replaced by aspartic acid, an amino acid with highly similar properties. This amino acid position is conserved. In addition, the in silico prediction for this alteration is inconclusive. Based on the available evidence, the clinical significance of this variant remains unclear.